The following is an entry in ClinVar:

NM_001010892.3(RSPH4A):c.1811T>C (p.Ile604Thr)

Gene: RSPH4A (radial spoke head component 4A; plus strand). Cytogenetic location: 6q22.1.
Variant type: single nucleotide variant.
Coding change: c.1811T>C on transcript NM_001010892.3 (MANE Select); coding-DNA position 1811, T replaced by C.
Protein change: p.Ile604Thr; replaces isoleucine 604 with threonine.
Molecular consequence: missense variant.
Genome position (GRCh38, 1-based): chr6:116,630,447, T>C. VCF-style: chr6-116630447-T-C. GRCh37 (hg19) VCF-style: chr6-116951610-T-C.
Other names: c.1675T>C, p.Tyr559His (NM_001161664.2); short protein forms Y559H, I604T.
Identifiers: ClinVar variation 1780601 (VCV001780601.2), dbSNP rs1031372447, ClinGen allele CA145928158.

ClinVar aggregate classification (germline): Uncertain significance (1 of 4 stars; one submission).

Conditions:
Primary ciliary dyskinesia. Also called: Ciliary dyskinesia. Identifiers: Orphanet 244, MedGen C0008780, MONDO:0016575, HP:0012265.

Allele frequency attached by ClinVar (database versions not stated): gnomAD 0.00003; gnomAD exomes 0.00003; TOPMed 0.00004.
gnomAD v4.1: 48 of 1,585,328 alleles (0.003%); highest among the groups gnomAD compares: Middle Eastern, 0.017%; no homozygotes.

Submission:

Ambry Genetics
Classification: Uncertain significance for Primary ciliary dyskinesia. Last evaluated: 2017-03-23. Review status: criteria provided, single submitter. Criteria: Ambry Variant Classification Scheme 2023. Collection method: clinical testing. Allele origin: germline.
Comment: The p.I604T variant (also known as c.1811T>C), located in coding exon 5 of the RSPH4A gene, results from a T to C substitution at nucleotide position 1811. The isoleucine at codon 604 is replaced by threonine, an amino acid with similar properties. This amino acid position is poorly conserved in available vertebrate species. In addition, this alteration is predicted to be tolerated by in silico analysis. Since supporting evidence is limited at this time, the clinical significance of this alteration remains unclear.